The following is an entry in ClinVar:

NM_001267550.2(TTN):c.103771C>T (p.Arg34591Ter)

Genes: TTN (titin; minus strand), TTN-AS1 (TTN antisense RNA 1; plus strand). Cytogenetic location: 2q31.2.
Variant type: single nucleotide variant.
Coding change: c.103771C>T on transcript NM_001267550.2 (MANE Select); coding-DNA position 103771, C replaced by T.
Protein change: p.Arg34591Ter; replaces arginine 34591 with a stop codon.
Molecular consequence: nonsense.
Genome position (GRCh38, 1-based): chr2:178,532,844, G>A on the plus strand (C>T on the coding strand, the complement: TTN is on the minus strand). VCF-style: chr2-178532844-G-A. GRCh37 (hg19) VCF-style: chr2-179397571-G-A.
Other names: c.98848C>T, p.Arg32950Ter (NM_001256850.1); c.76576C>T, p.Arg25526Ter (NM_003319.4); c.96067C>T, p.Arg32023Ter (NM_133378.4); c.76951C>T, p.Arg25651Ter (NM_133432.3); c.77152C>T, p.Arg25718Ter (NM_133437.4); c.103771C>T (NM_001267550.1); short protein forms R25651*, R34591*, R32023*, R32950*, R25526*, R25718*.
Identifiers: ClinVar variation 934781 (VCV000934781.21), dbSNP rs967542291, ClinGen allele CA60956837.

ClinVar aggregate classification (germline): Pathogenic/Likely pathogenic. Review status: criteria provided, multiple submitters, no conflicts (2 of 4 stars). 8 submissions from 8 submitters: Pathogenic (2); Likely pathogenic (5). 1 of the submissions does not count toward it. Last evaluated 2026-04-08.

Conditions:
Cardiovascular phenotype. Identifiers: MedGen CN230736.
Dilated cardiomyopathy 1G (CMD1G). Identifiers: Orphanet 154, MedGen C1858763, MONDO:0011400, OMIM 604145.
Autosomal recessive limb-girdle muscular dystrophy type 2J (LGMDR10). Also called: MUSCULAR DYSTROPHY, LIMB-GIRDLE, AUTOSOMAL RECESSIVE 10; Limb-girdle muscular dystrophy, type 2J. Identifiers: Orphanet 140922, MedGen C1837342, MONDO:0012127, OMIM 608807.
Early-onset myopathy with fatal cardiomyopathy (CMYO5). Also called: CONGENITAL MYOPATHY 5 WITH CARDIOMYOPATHY; Salih Myopathy. Identifiers: Orphanet 289377, MedGen C2673677, MONDO:0012714, OMIM 611705. Disease mechanism: loss of function.

Allele frequency attached by ClinVar (database versions not stated): gnomAD 0.00001; TOPMed 0.00001; gnomAD exomes 0.00001.
gnomAD v4.1: 9 of 1,613,796 alleles (0.00056%); highest among the groups gnomAD compares: Admixed American, 0.0017%; no homozygotes.

Submissions (8):

GeneDx
Classification: Pathogenic. Last evaluated: 2026-04-08. Review status: criteria provided, single submitter. Criteria: GeneDx Variant Classification Process June 2021. Collection method: clinical testing. Allele origin: germline.
Comment: Nonsense variant predicted to result in protein truncation or nonsense mediated decay in a gene for which loss of function is a known mechanism of disease; Identified by exome sequencing in an individual with DCM; however, detailed clinical information was not provided (PMID: 36264615); Not observed at significant frequency in large population cohorts (gnomAD); Located in the M-band, a region of TTN for which truncating variants are significantly associated with autosomal recessive skeletal myopathies and also with autosomal dominant cardiomyopathy (PMID: 17444505, 32778822, 36637017); This variant is associated with the following publications: (PMID: 35177841, 33226272, 36264615, 17444505, 32778822, 36637017, 39844436, 31691645, 35982159, 33057194, 36977548)

Mendelics
Classification: Pathogenic for Early-onset myopathy with fatal cardiomyopathy. Last evaluated: 2026-03-05. Review status: criteria provided, single submitter. Criteria: ACMG Guidelines, 2015. Collection method: clinical testing. Allele origin: unknown.
Comment: Likely pathogenic/Pathogenic according to ACMG criteria.

Variantyx, Inc.
Classification: Likely pathogenic for Dilated cardiomyopathy 1G. Last evaluated: 2025-10-07. Review status: criteria provided, single submitter. Criteria: Variantyx Assertion Criteria 2022. Collection method: clinical testing. Allele origin: germline. Inheritance: Autosomal dominant inheritance. Affected: yes.
Comment: This is a nonsense variant in the TTN gene (OMIM: 188840). Pathogenic variants in this gene have been associated with autosomal dominant dilated cardiomyopathy 1G. This variant introduces a premature termination codon in exon 358 out of 363, which is located within the M-band of titin and has a 'percent spliced in' (PSI) of 100%, expected to result in loss of function, which is a known disease mechanism for TTN in autosomal dominant dilated cardiomyopathy (PMID: 27869827, 33226272) (PVS1). This variant has been reported in at least one individual with dilated cardiomyopathy (PMID: 36264615). It has a 0.0065% maximum allele frequency in non-founder control populations (PM2). Based on the current evidence, this variant is classified as likely pathogenic for autosomal dominant dilated cardiomyopathy 1G.

Labcorp Genetics (formerly Invitae), Labcorp
Classification: Likely pathogenic for Dilated cardiomyopathy 1G; Autosomal recessive limb-girdle muscular dystrophy type 2J. Last evaluated: 2025-10-01. Review status: criteria provided, single submitter. Criteria: Invitae Variant Classification Sherloc (09022015). Collection method: clinical testing. Allele origin: germline.
Comment: This sequence change creates a premature translational stop signal (p.Arg34591*) in the TTN gene. While this is not anticipated to result in nonsense mediated decay, it is expected to create a truncated TTN protein. This variant is present in population databases (no rsID available, gnomAD 0.006%). This premature translational stop signal has been observed in individual(s) with dilated cardiomyopathy (PMID: 36264615). ClinVar contains an entry for this variant (Variation ID: 934781). This variant is located in the M band of TTN (PMID: 25589632). Truncating variants in this region have been previously reported in individuals affected with autosomal dominant or autosomal recessive myopathy and muscular dystrophy (PMID: 18948003, 23975875, 24395473). Truncating variants in this region have also been identified in individuals affected with autosomal dominant dilated cardiomyopathy and/or cardio-related conditions (PMID: 27869827, 32964742, internal data). In summary, the currently available evidence indicates that the variant is pathogenic, but additional data are needed to prove that conclusively. Therefore, this variant has been classified as Likely Pathogenic.

Clinical Genetics Laboratory, Skane University Hospital Lund
Classification: Likely pathogenic. Last evaluated: 2023-08-11. Review status: criteria provided, single submitter. Criteria: ACMG Guidelines, 2015. Collection method: clinical testing. Allele origin: germline. Affected: yes.

Ambry Genetics
Classification: Likely pathogenic for Cardiovascular phenotype. Last evaluated: 2023-01-26. Review status: criteria provided, single submitter. Criteria: Ambry Variant Classification Scheme 2023. Collection method: clinical testing. Allele origin: germline.
Comment: The c.76576C>T (p.R25526*) alteration, located in exon 186 (coding exon 185) of the TTN gene, consists of a C to T substitution at nucleotide position 76576. This changes the amino acid from an arginine (R) to a stop codon at amino acid position 25526. This alteration is expected to result in loss of function by premature protein truncation or nonsense-mediated mRNA decay. _x000D_ _x000D_ Based on the available evidence, the c.76576C>T (p.R25526*) alteration is classified as likely pathogenic for autosomal recessive Salih myopathy and/or TTN-related limb-girdle muscular dystrophy; however, the clinical significance of this alteration for autosomal dominant cardiomyopathy remains unclear. Based on data from gnomAD, the T allele has an overall frequency of 0.001% (2/248846) total alleles studied. The highest observed frequency was 0.011% (2/17954) of East Asian alleles. This exon is located in the M-band region of the N2-B isoform of the titin protein and is constitutively expressed in TTN transcripts (percent spliced in or PSI 100%). Truncating variants in the M-band have been reported in association with autosomal recessive skeletal myopathy phenotypes, Salih myopathy and TTN-related limb-girdle muscular dystrophy (Ceyhan-Birsoy, 2013; De Cid, 2015). Based on the available evidence, this alteration is classified as likely pathogenic.

Revvity Omics, Revvity
Classification: Likely pathogenic. Last evaluated: 2021-03-29. Review status: criteria provided, single submitter. Criteria: ACMG Guidelines, 2015. Collection method: clinical testing. Allele origin: germline.

Cardiogenetics and Myogenetics Molecular and Cellular Functional Unit, Aphp Sorbonne University-Hopital Pitie Salpetriere
Classification: Likely pathogenic for Dilated cardiomyopathy 1G. Last evaluated: 2024-01-06. Review status: no assertion criteria provided. Collection method: clinical testing. Allele origin: germline. Affected: yes. Not counted in ClinVar's aggregate classification.

Literature cited by the submitters: PubMed 27869827 (cited by 3 submitters); PubMed 33226272 (cited by Variantyx, Inc.); PubMed 36264615 (cited by Variantyx, Inc. and Labcorp Genetics (formerly Invitae), Labcorp); PubMed 25589632 (cited by Labcorp Genetics (formerly Invitae), Labcorp and Ambry Genetics); PubMed 18948003 (cited by Labcorp Genetics (formerly Invitae), Labcorp); PubMed 23975875 (cited by Labcorp Genetics (formerly Invitae), Labcorp and Ambry Genetics); PubMed 24395473 (cited by Labcorp Genetics (formerly Invitae), Labcorp); PubMed 32964742 (cited by Labcorp Genetics (formerly Invitae), Labcorp); PubMed 22335739 (cited by Ambry Genetics); PubMed 26581302 (cited by Ambry Genetics).